The following is an entry in ClinVar:

NM_006939.4(SOS2):c.1312T>C (p.Cys438Arg)

Gene: SOS2 (SOS Ras/Rho guanine nucleotide exchange factor 2; minus strand). Cytogenetic location: 14q21.3.
Variant type: single nucleotide variant.
Coding change: c.1312T>C on transcript NM_006939.4 (MANE Select); coding-DNA position 1312, T replaced by C.
Protein change: p.Cys438Arg; replaces cysteine 438 with arginine.
Molecular consequence: missense variant.
Genome position (GRCh38, 1-based): chr14:50,159,971, A>G on the plus strand (T>C on the coding strand, the complement: SOS2 is on the minus strand). VCF-style: chr14-50159971-A-G. GRCh37 (hg19) VCF-style: chr14-50626689-A-G.
Other names: c.1312T>C (NM_006939.2); short protein forms C438R.
Identifiers: ClinVar variation 1397799 (VCV001397799.9), dbSNP rs368795570, ClinGen allele CA7177293.
Genomic context (GRCh38, chr14:50,159,971, plus strand): 5'-GCCGTTCATGTTTGGCACCGATTCTTGTCAATGGTCCCTCCATAATGAATTCATTACAAC[A>G]CTGTCCAATATCTTTGCCTTCCCATCCATCGATATTTTTCTGAATTTCATTCATTTTTTT-3'
Protein context (NP_008870.2, residues 428-448): DGWEGKDIGQ[Cys438Arg]CNEFIMEGPL

ClinVar aggregate classification (germline): Uncertain significance. Review status: criteria provided, multiple submitters, no conflicts (2 of 4 stars). 2 submissions from 2 submitters: Uncertain significance (2). Last evaluated 2026-06-03.

Conditions:
Cardiovascular phenotype. Identifiers: MedGen CN230736.
Noonan syndrome 9 (NS9). Identifiers: Orphanet 648, MedGen C4225282, MONDO:0014691, OMIM 616559.

Allele frequency attached by ClinVar (database versions not stated): gnomAD 0.00001; gnomAD exomes below 0.00001; ExAC 0.00001; ESP Exome Variant Server 0.00008; TOPMed 0.00001.
gnomAD v4.1: 3 of 1,613,910 alleles (0.00019%); highest among the groups gnomAD compares: African/African-American, 0.0027%; no homozygotes.

Submissions (2):

Ambry Genetics
Classification: Uncertain significance for Cardiovascular phenotype. Last evaluated: 2026-06-03. Review status: criteria provided, single submitter. Criteria: Ambry Variant Classification Scheme 2023. Collection method: clinical testing. Allele origin: germline.
Comment: The c.1312T>C (p.C438R) alteration is located in exon 10 (coding exon 10) of the SOS2 gene. This alteration results from a T to C substitution at nucleotide position 1312, causing the cysteine (C) at amino acid position 438 to be replaced by an arginine (R). Based on data from gnomAD, the C allele has an overall frequency of <0.001% (1/251314) total alleles studied. The highest observed frequency was 0.006% (1/16256) of African alleles. Based on insufficient or conflicting evidence, the clinical significance of this alteration remains unclear.

Labcorp Genetics (formerly Invitae), Labcorp
Classification: Uncertain significance for Noonan syndrome 9. Last evaluated: 2024-06-29. Review status: criteria provided, single submitter. Criteria: Invitae Variant Classification Sherloc (09022015). Collection method: clinical testing. Allele origin: germline.
Comment: This sequence change replaces cysteine, which is neutral and slightly polar, with arginine, which is basic and polar, at codon 438 of the SOS2 protein (p.Cys438Arg). This variant is present in population databases (rs368795570, gnomAD 0.007%). This variant has not been reported in the literature in individuals affected with SOS2-related conditions. ClinVar contains an entry for this variant (Variation ID: 1397799). Advanced modeling of protein sequence and biophysical properties (such as structural, functional, and spatial information, amino acid conservation, physicochemical variation, residue mobility, and thermodynamic stability) performed at Invitae indicates that this missense variant is expected to disrupt SOS2 protein function with a positive predictive value of 95%. In summary, the available evidence is currently insufficient to determine the role of this variant in disease. Therefore, it has been classified as a Variant of Uncertain Significance.